The following is an entry in ClinVar:

NM_000264.5(PTCH1):c.121C>A (p.Arg41Ser)

Genes: PTCH1 (patched 1; minus strand), LOC130002133 (ATAC-STARR-seq lymphoblastoid silent region 20071; plus strand). Cytogenetic location: 9q22.32.
Variant type: single nucleotide variant.
Coding change: c.121C>A on transcript NM_000264.5 (MANE Select); coding-DNA position 121, C replaced by A.
Protein change: p.Arg41Ser; replaces arginine 41 with serine.
Molecular consequence: missense variant. On other transcripts: non-coding transcript variant (1), intron variant (3).
Genome position (GRCh38, 1-based): chr9:95,508,241, G>T on the plus strand (C>A on the coding strand, the complement: PTCH1 is on the minus strand). VCF-style: chr9-95508241-G-T. GRCh37 (hg19) VCF-style: chr9-98270523-G-T.
Other names: c.121C>A, p.Arg41Ser (NM_001354918.2); c.199-1642C>A (NM_001083603.3); c.4-1642C>A (NM_001083602.3, NM_001354919.2); short protein forms R41S.
Identifiers: ClinVar variation 576721 (VCV000576721.14), dbSNP rs1554709496, ClinGen allele CA374121398.

ClinVar aggregate classification (germline): Uncertain significance. Review status: criteria provided, multiple submitters, no conflicts (2 of 4 stars). 3 submissions from 3 submitters: Uncertain significance (3). Last evaluated 2025-11-26.

Conditions:
Hereditary cancer-predisposing syndrome. Also called: Hereditary neoplastic syndrome; Tumor predisposition; Hereditary Cancer Syndrome; Neoplastic Syndromes, Hereditary. Identifiers: Orphanet 140162, MedGen C0027672, MeSH D009386, MONDO:0015356.
Gorlin syndrome. Also called: Basal cell nevus syndrome; Nevoid Basal Cell Carcinoma Syndrome. Identifiers: Orphanet 377, MedGen C0004779, MONDO:0007187.
Basal cell carcinoma, susceptibility to, 1. Also called: BCC1. Identifiers: MedGen C2751544, MONDO:0011556, OMIM 605462.

gnomAD v4.1: 1 of 1,607,648 alleles (0.000062%); highest among the groups gnomAD compares: Non-Finnish European, 0.000085%; no homozygotes.

Submissions (3):

Labcorp Genetics (formerly Invitae), Labcorp
Classification: Uncertain significance for Gorlin syndrome. Last evaluated: 2025-11-26. Review status: criteria provided, single submitter. Criteria: Invitae Variant Classification Sherloc (09022015). Collection method: clinical testing. Allele origin: germline.
Comment: This sequence change replaces arginine, which is basic and polar, with serine, which is neutral and polar, at codon 41 of the PTCH1 protein (p.Arg41Ser). This variant is not present in population databases (gnomAD no frequency). This variant has not been reported in the literature in individuals affected with PTCH1-related conditions. ClinVar contains an entry for this variant (Variation ID: 576721). Invitae Evidence Modeling of protein sequence and biophysical properties (such as structural, functional, and spatial information, amino acid conservation, physicochemical variation, residue mobility, and thermodynamic stability) indicates that this missense variant is not expected to disrupt PTCH1 protein function with a negative predictive value of 95%. In summary, the available evidence is currently insufficient to determine the role of this variant in disease. Therefore, it has been classified as a Variant of Uncertain Significance.

Ambry Genetics
Classification: Uncertain significance for Hereditary cancer-predisposing syndrome. Last evaluated: 2024-02-14. Review status: criteria provided, single submitter. Criteria: Ambry Variant Classification Scheme 2023. Collection method: clinical testing. Allele origin: germline.
Comment: The p.R41S variant (also known as c.121C>A), located in coding exon 1 of the PTCH1 gene, results from a C to A substitution at nucleotide position 121. The arginine at codon 41 is replaced by serine, an amino acid with dissimilar properties. This amino acid position is highly conserved in available vertebrate species. In addition, the in silico prediction for this alteration is inconclusive. Based on the available evidence, the clinical significance of this alteration remains unclear.

Baylor Genetics
Classification: Uncertain significance for Basal cell carcinoma, susceptibility to, 1. Last evaluated: 2023-10-27. Review status: criteria provided, single submitter. Criteria: ACMG Guidelines, 2015. Collection method: clinical testing. Allele origin: unknown.